The following is an entry in ClinVar:

ClinVar aggregate classification (germline): Benign. Review status: criteria provided, multiple submitters, no conflicts (2 of 4 stars). 3 submissions from 3 submitters: Benign (2). 1 of the submissions does not count toward it. Last evaluated 2018-06-13.

Conditions:
SNRPA-related disorder. Also called: SNRPA-related condition.

Allele frequency attached by ClinVar (database versions not stated): gnomAD exomes 0.00049; ExAC 0.00053; ESP Exome Variant Server 0.00161; 1000 Genomes Project 0.00180; 1000 Genomes Project 30x 0.00187; gnomAD 0.00202 and 0.00216; TOPMed 0.00239.

Submissions (3):

Labcorp Genetics (formerly Invitae), Labcorp
Classification: Benign. Last evaluated: 2018-06-13. Review status: criteria provided, single submitter. Criteria: Invitae Variant Classification Sherloc (09022015). Collection method: clinical testing. Allele origin: germline.

Breakthrough Genomics
Classification: Benign. Review status: criteria provided, single submitter. Criteria: ACMG Guidelines, 2015. Collection method: not provided. Allele origin: germline. Inheritance: Unknown mechanism. Affected: yes.

PreventionGenetics, part of Exact Sciences
Classification: Likely benign for SNRPA-related condition. Last evaluated: 2019-03-18. Review status: no assertion criteria provided. Collection method: clinical testing. Allele origin: germline. Not counted in ClinVar's aggregate classification.
Comment: This variant is classified as likely benign based on ACMG/AMP sequence variant interpretation guidelines (Richards et al. 2015 PMID: 25741868, with internal and published modifications).

NM_004596.5(SNRPA):c.267C>T (p.Thr89=)

Gene: SNRPA (small nuclear ribonucleoprotein polypeptide A; plus strand). Cytogenetic location: 19q13.2.
Variant type: single nucleotide variant.
Coding change: c.267C>T on transcript NM_004596.5 (MANE Select); coding-DNA position 267, C replaced by T.
Protein change: p.Thr89=; no amino-acid change (threonine 89 retained).
Molecular consequence: synonymous variant.
Genome position (GRCh38, 1-based): chr19:40,759,451, C>T. VCF-style: chr19-40759451-C-T. GRCh37 (hg19) VCF-style: chr19-41265356-C-T.
Identifiers: ClinVar variation 720600 (VCV000720600.6), dbSNP rs138646758, ClinGen allele CA9451489.